The following is an entry in ClinVar:

ClinVar aggregate classification (germline): Pathogenic/Likely pathogenic. Review status: criteria provided, multiple submitters, no conflicts (2 of 4 stars). 4 submissions from 4 submitters: Pathogenic (1); Likely pathogenic (2). 1 of the submissions does not count toward it. Last evaluated 2024-12-19.

Conditions:
Hyperinsulinemic hypoglycemia, familial, 1 (HHF1). Also called: HYPERINSULINISM, FAMILIAL, WITH PANCREATIC NESIDIOBLASTOSIS; HYPOGLYCEMIA, HYPERINSULINEMIC, OF INFANCY; Persistent hyperinsulinemic hypoglycemia of infancy; NESIDIOBLASTOSIS OF PANCREAS; Persistent Hyperinsulinemia Hypoglycemia of Infancy. Identifiers: Orphanet 276575, Orphanet 276598, MedGen C2931832, MONDO:0009734, OMIM 256450.
Diabetes mellitus, transient neonatal, 2 (TNDM2). Identifiers: Orphanet 99886, MedGen C1835887, MONDO:0012480, OMIM 610374. Disease mechanism: loss of function.
Diabetes mellitus, permanent neonatal 3. Also called: ABCC8-Related Permanent Neonatal Diabetes Mellitus. Identifiers: MedGen C5394303, MONDO:0030088, OMIM 618857.
Leucine-induced hypoglycemia (LIH). Also called: LEUCINE-SENSITIVE HYPOGLYCEMIA OF INFANCY. Identifiers: MedGen C0271714, MONDO:0009415, OMIM 240800.
Type 2 diabetes mellitus. Also called: Type II diabetes mellitus. Identifiers: MedGen C0011860, MeSH D003924, MONDO:0005148, OMIM 125853, HP:0005978.

gnomAD v4.1: 8 of 1,610,772 alleles (0.0005%); highest among the groups gnomAD compares: African/African-American, 0.0013%; no homozygotes.

Submissions (4):

Labcorp Genetics (formerly Invitae), Labcorp
Classification: Pathogenic. Last evaluated: 2024-12-19. Review status: criteria provided, single submitter. Criteria: Invitae Variant Classification Sherloc (09022015). Collection method: clinical testing. Allele origin: germline.
Comment: This sequence change creates a premature translational stop signal (p.Arg1538*) in the ABCC8 gene. While this is not anticipated to result in nonsense mediated decay, it is expected to disrupt the last 44 amino acid(s) of the ABCC8 protein. This variant is not present in population databases (gnomAD no frequency). This variant has not been reported in the literature in individuals affected with ABCC8-related conditions. ClinVar contains an entry for this variant (Variation ID: 556392). This variant disrupts a region of the ABCC8 protein in which other variant(s) (p.Leu1543Pro) have been determined to be pathogenic (PMID: 11867634, 15562009, 23275527). This suggests that this is a clinically significant region of the protein, and that variants that disrupt it are likely to be disease-causing. For these reasons, this variant has been classified as Pathogenic.

Fulgent Genetics
Classification: Likely pathogenic for Type 2 diabetes mellitus; Leucine-induced hypoglycemia; Hyperinsulinemic hypoglycemia, familial, 1; Diabetes mellitus, transient neonatal, 2; Diabetes mellitus, permanent neonatal 3. Last evaluated: 2024-04-26. Review status: criteria provided, single submitter. Criteria: ACMG Guidelines, 2015. Collection method: clinical testing. Allele origin: germline.

GeneDx
Classification: Likely pathogenic. Last evaluated: 2022-11-11. Review status: criteria provided, single submitter. Criteria: GeneDx Variant Classification Process June 2021. Collection method: clinical testing. Allele origin: germline. Affected: yes.
Comment: Identified as heterozygous in a patient with hyperinsulinism in published literature (De Franco et al., 2020); Nonsense variant predicted to result in protein truncation, as the last 44 amino acids are lost, and other loss-of-function variants have been reported downstream in HGMD; Not observed at significant frequency in large population cohorts (gnomAD); This variant is associated with the following publications: (PMID: 32027066)

Counsyl
Classification: Likely pathogenic for Hyperinsulinemic hypoglycemia, familial, 1. Last evaluated: 2018-01-29. Review status: no assertion criteria provided. Collection method: clinical testing. Allele origin: unknown. Not counted in ClinVar's aggregate classification.

Literature cited by the submitters: PubMed 11867634 (cited by Labcorp Genetics (formerly Invitae), Labcorp); PubMed 15562009 (cited by Labcorp Genetics (formerly Invitae), Labcorp); PubMed 23275527 (cited by Labcorp Genetics (formerly Invitae), Labcorp); PubMed 10400694 (cited by Counsyl).

NM_000352.6(ABCC8):c.4612C>T (p.Arg1538Ter)

Gene: ABCC8 (ATP binding cassette subfamily C member 8; minus strand). Cytogenetic location: 11p15.1.
Variant type: single nucleotide variant.
Coding change: c.4612C>T on transcript NM_000352.6 (MANE Select); coding-DNA position 4612, C replaced by T.
Protein change: p.Arg1538Ter; replaces arginine 1538 with a stop codon.
Molecular consequence: nonsense. On other transcripts: non-coding transcript variant (1).
Genome position (GRCh38, 1-based): chr11:17,393,125, G>A on the plus strand (C>T on the coding strand, the complement: ABCC8 is on the minus strand). VCF-style: chr11-17393125-G-A. GRCh37 (hg19) VCF-style: chr11-17414672-G-A.
Other names: c.4615C>T, p.Arg1539Ter (NM_001287174.3); c.4678C>T, p.Arg1560Ter (NM_001351295.2); c.4612C>T, p.Arg1538Ter (NM_001351296.2); c.4609C>T, p.Arg1537Ter (NM_001351297.2); short protein forms R1538*, R1539*, R1537*, R1560*.
Identifiers: ClinVar variation 556392 (VCV000556392.12), dbSNP rs1411638309, ClinGen allele CA379781523.